The following is an entry in ClinVar:

ClinVar aggregate classification (germline): Uncertain significance (1 of 4 stars; one submission).

Conditions:
Congenital chylothorax. Also called: HYDROTHORAX, CONGENITAL. Identifiers: Orphanet 264688, MedGen C0340014, MONDO:0011331, OMIM 603523.

Allele frequency attached by ClinVar (database versions not stated): gnomAD exomes below 0.00001.
gnomAD v4.1: 2 of 1,614,030 alleles (0.00012%); highest among the groups gnomAD compares: Non-Finnish European, 0.00017%; no homozygotes.

Submission:

SIB Swiss Institute of Bioinformatics
Classification: Uncertain significance for Congenital chylothorax. Last evaluated: 2024-03-21. Review status: criteria provided, single submitter. Criteria: ACMG Guidelines, 2015. Collection method: curation. Allele origin: unknown. Affected: yes.
Comment: This variant is interpreted for congenital chylothorax, autosomal recessive. The following ACMG Tag(s) were applied: Absent from controls (or at extremely low frequency if recessive) in Exome Sequencing Project, 1000 Genomes Project, or Exome Aggregation Consortium (PM2); Multiple lines of computational evidence support a deleterious effect on the gene or gene product (PP3).

Literature cited by the submitters: PubMed 38247840.

NM_138295.5(PKD1L1):c.1543G>A (p.Gly515Arg)

Gene: PKD1L1 (polycystin 1 like 1, transient receptor potential channel interacting; minus strand). Cytogenetic location: 7p12.3.
Variant type: single nucleotide variant.
Coding change: c.1543G>A on transcript NM_138295.5 (MANE Select); coding-DNA position 1543, G replaced by A.
Protein change: p.Gly515Arg; replaces glycine 515 with arginine.
Molecular consequence: missense variant.
Genome position (GRCh38, 1-based): chr7:47,905,305, C>T on the plus strand (G>A on the coding strand, the complement: PKD1L1 is on the minus strand). VCF-style: chr7-47905305-C-T. GRCh37 (hg19) VCF-style: chr7-47944902-C-T.
Other names: short protein forms G515R.
Identifiers: ClinVar variation 3062363 (VCV003062363.1), dbSNP rs2484139706, ClinGen allele CA367493651.
Genomic context (GRCh38, chr7:47,905,305, plus strand): 5'-GTATTGTTTCCTTGGTAACAGCTGTAAATGTAATGTCTGTGTCTGTGGCAAACACAGTTC[C>T]ATTTGTGTAGACAGAGACGGCTGTGGCAAAAGAAAGGAAGGTATGTCTATGTCAACATAG-3'
Protein context (NP_612152.1, residues 505-525): KMQSVSVYTN[Gly515Arg]TVFATDTDIT